The following is an entry in ClinVar:

NM_194454.3(KRIT1):c.950T>C (p.Leu317Ser)

Gene: KRIT1 (KRIT1 ankyrin repeat containing; minus strand). Cytogenetic location: 7q21.2.
Variant type: single nucleotide variant.
Coding change: c.950T>C on transcript NM_194454.3 (MANE Select); coding-DNA position 950, T replaced by C.
Protein change: p.Leu317Ser; replaces leucine 317 with serine.
Molecular consequence: missense variant. On other transcripts: intron variant (3).
Genome position (GRCh38, 1-based): chr7:92,234,488, A>G on the plus strand (T>C on the coding strand, the complement: KRIT1 is on the minus strand). VCF-style: chr7-92234488-A-G. GRCh37 (hg19) VCF-style: chr7-91863802-A-G.
Other names: c.236T>C, p.Leu79Ser (NM_001350671.1); c.950T>C, p.Leu317Ser (NM_001350672.1, NM_001350673.1, NM_001350674.1 and 26 more transcripts); c.845+320T>C (NM_001350669.1, NM_001013406.2, NM_001350670.1); short protein forms L317S, L79S.
Identifiers: ClinVar variation 2629892 (VCV002629892.1), dbSNP rs2536003952, ClinGen allele CA368157795.

ClinVar aggregate classification (germline): Uncertain significance (1 of 4 stars; one submission).

Conditions:
KRIT1-related disorder. Also called: KRIT1-related condition; KRIT1-related disorders.

Submission:

PreventionGenetics, part of Exact Sciences
Classification: Uncertain significance for KRIT1-related condition. Last evaluated: 2022-12-08. Review status: criteria provided, single submitter. Criteria: ACMG Guidelines, 2015. Collection method: clinical testing. Allele origin: germline.
Comment: The KRIT1 c.950T>C variant is predicted to result in the amino acid substitution p.Leu317Ser. To our knowledge, this variant has not been reported in the literature or in a large population database, indicating this variant is rare. At this time, the clinical significance of this variant is uncertain due to the absence of conclusive functional and genetic evidence.